The following is an entry in ClinVar:

ClinVar aggregate classification (germline): Benign/Likely benign. Review status: criteria provided, multiple submitters, no conflicts (2 of 4 stars). 5 submissions from 5 submitters: Benign (1); Likely benign (3). 1 of the submissions does not count toward it. Last evaluated 2026-01-05.

Conditions:
GLB1-related disorder. Also called: GLB1-related disorders. Identifiers: MedGen CN377807.
GM1 gangliosidosis. Identifiers: Orphanet 354, MedGen C0085131, MONDO:0018149.
Mucopolysaccharidosis, MPS-IV-B (MPS4B). Also called: Mucopolysaccharidosis Type IVB; Mucopolysaccharidosis type IV B; MORQUIO SYNDROME B; Mucopolysaccharidosis type 4B; Mucopolysaccharidosis Type IVB (Morquio B Disease); Mucopolysaccharidosis type IVB (Morquio). Identifiers: Orphanet 309310, Orphanet 582, MedGen C0086652, MONDO:0009660, OMIM 253010.

Allele frequency attached by ClinVar (database versions not stated): gnomAD exomes 0.00021; ExAC 0.00028; 1000 Genomes Project 30x 0.00047; ESP Exome Variant Server 0.00049; 1000 Genomes Project 0.00060; gnomAD 0.00062 and 0.00066; TOPMed 0.00062.
gnomAD v4.1: 218 of 1,614,120 alleles (0.014%); highest among the groups gnomAD compares: African/African-American, 0.21%; no homozygotes.

Submissions (5):

Labcorp Genetics (formerly Invitae), Labcorp
Classification: Benign for Mucopolysaccharidosis, MPS-IV-B; GM1 gangliosidosis. Last evaluated: 2026-01-05. Review status: criteria provided, single submitter. Criteria: Invitae Variant Classification Sherloc (09022015). Collection method: clinical testing. Allele origin: germline.

Blueprint Genetics
Classification: Likely benign. Last evaluated: 2024-09-10. Review status: criteria provided, single submitter. Criteria: ACMG Guidelines, 2015. Collection method: clinical testing. Allele origin: germline.

CeGaT Center for Human Genetics Tuebingen
Classification: Likely benign. Last evaluated: 2022-03-01. Review status: criteria provided, single submitter. Criteria: CeGaT Center For Human Genetics Tuebingen Variant Classification Criteria Version 2. Collection method: clinical testing. Allele origin: germline. Affected: yes. Observed: 2 variant alleles.
Comment: GLB1: BP4, BP7

Breakthrough Genomics
Classification: Likely benign. Review status: criteria provided, single submitter. Criteria: ACMG Guidelines, 2015. Collection method: not provided. Allele origin: germline. Inheritance: Autosomal recessive inheritance. Affected: yes.

PreventionGenetics, part of Exact Sciences
Classification: Likely benign for GLB1-related condition. Last evaluated: 2022-10-12. Review status: no assertion criteria provided. Collection method: clinical testing. Allele origin: germline. Not counted in ClinVar's aggregate classification.
Comment: This variant is classified as likely benign based on ACMG/AMP sequence variant interpretation guidelines (Richards et al. 2015 PMID: 25741868, with internal and published modifications).

NM_000404.4(GLB1):c.1833G>A (p.Ser611=)

Gene: GLB1 (galactosidase beta 1; minus strand). Cytogenetic location: 3p22.3.
Variant type: single nucleotide variant.
Coding change: c.1833G>A on transcript NM_000404.4 (MANE Select); coding-DNA position 1833, G replaced by A.
Protein change: p.Ser611=; no amino-acid change (serine 611 retained).
Molecular consequence: synonymous variant. On other transcripts: intron variant (1).
Genome position (GRCh38, 1-based): chr3:32,997,246, C>T on the plus strand (G>A on the coding strand, the complement: GLB1 is on the minus strand). VCF-style: chr3-32997246-C-T. GRCh37 (hg19) VCF-style: chr3-33038738-C-T.
Other names: c.1833G>A (NM_000404.3); c.1743G>A, p.Ser581= (NM_001079811.3); c.1440G>A, p.Ser480= (NM_001135602.3); c.1977G>A, p.Ser659= (NM_001317040.2); c.1734+16810G>A (NM_001393580.1).
Identifiers: ClinVar variation 705887 (VCV000705887.50), dbSNP rs201755284, ClinGen allele CA2299286.